The following is an entry in ClinVar:

ClinVar aggregate classification (germline): Pathogenic (1 of 4 stars; one submission).

Conditions:
Bardet-Biedl syndrome (BBS). Identifiers: Orphanet 110, MedGen C0752166, MONDO:0015229.

Submission:

Labcorp Genetics (formerly Invitae), Labcorp
Classification: Pathogenic for Bardet-Biedl syndrome. Last evaluated: 2023-08-11. Review status: criteria provided, single submitter. Criteria: Invitae Variant Classification Sherloc (09022015). Collection method: clinical testing. Allele origin: germline.
Comment: This sequence change creates a premature translational stop signal (p.Lys51Glufs*39) in the BBS7 gene. It is expected to result in an absent or disrupted protein product. Loss-of-function variants in BBS7 are known to be pathogenic (PMID: 12567324, 19402160, 21209035, 31196119). This variant is not present in population databases (gnomAD no frequency). This variant has not been reported in the literature in individuals affected with BBS7-related conditions. For these reasons, this variant has been classified as Pathogenic.

Literature cited by the submitters: PubMed 12567324; PubMed 19402160; PubMed 21209035; PubMed 31196119.

NM_176824.3(BBS7):c.149dup (p.Lys51fs)

Gene: BBS7 (Bardet-Biedl syndrome 7; minus strand). Cytogenetic location: 4q27.
Variant type: Duplication.
Coding change: c.149dup on transcript NM_176824.3 (MANE Select); coding-DNA position 149, one base duplicated (A; older notation c.149dupA).
Protein change: p.Lys51fs; shifts the reading frame from lysine 51.
Molecular consequence: frameshift variant.
Genome position (GRCh38, 1-based): chr4:121,863,233, T duplicated on the plus strand (A on the coding strand, the reverse complement: BBS7 is on the minus strand); the first of 2 consecutive T bases (chr4:121,863,233-121,863,234); duplicating either gives the same sequence. VCF-style (leftmost placement, unchanged base first): chr4-121863232-C-CT. GRCh37 (hg19) VCF-style: chr4-122784387-C-CT.
Other names: c.149dup, p.Lys51fs (NM_018190.4); short protein forms K51fs.
Identifiers: ClinVar variation 2680062 (VCV002680062.5), dbSNP rs2476584179, ClinGen allele CA2671950159.